The following is an entry in ClinVar:

NM_004628.5(XPC):c.55C>T (p.Gln19Ter)

Genes: XPC (XPC complex subunit, DNA damage recognition and repair factor; minus strand), LOC129936244 (ATAC-STARR-seq lymphoblastoid active region 19500; plus strand). Cytogenetic location: 3p25.1.
Variant type: single nucleotide variant.
Coding change: c.55C>T on transcript NM_004628.5 (MANE Select); coding-DNA position 55, C replaced by T.
Protein change: p.Gln19Ter; replaces glutamine 19 with a stop codon.
Molecular consequence: nonsense. On other transcripts: 5 prime UTR variant (1), non-coding transcript variant (2).
Genome position (GRCh38, 1-based): chr3:14,178,514, G>A on the plus strand (C>T on the coding strand, the complement: XPC is on the minus strand). VCF-style: chr3-14178514-G-A. GRCh37 (hg19) VCF-style: chr3-14220014-G-A.
Other names: c.-401C>T (NM_001354726.2); c.55C>T, p.Gln19Ter (NM_001354727.2, NM_001354729.2, NM_001354730.2); short protein forms Q19*.
Identifiers: ClinVar variation 551359 (VCV000551359.12), dbSNP rs1553608637, ClinGen allele CA351543783.

ClinVar aggregate classification (germline): Pathogenic/Likely pathogenic. Review status: criteria provided, multiple submitters, no conflicts (2 of 4 stars). 4 submissions from 4 submitters: Pathogenic (1); Likely pathogenic (2). 1 of the submissions does not count toward it. Last evaluated 2024-04-27.

Conditions:
Xeroderma pigmentosum, group C (XPC). Also called: Xeroderma pigmentosum, complementation group C; XERODERMA PIGMENTOSUM III; XP, GROUP C; XPC-Related Xeroderma Pigmentosum. Identifiers: Orphanet 910, MedGen C2752147, MONDO:0010211, OMIM 278720.

Allele frequency attached by ClinVar (database versions not stated): gnomAD exomes below 0.00001.
gnomAD v4.1: 4 of 1,612,886 alleles (0.00025%); highest among the groups gnomAD compares: South Asian, 0.0011%; no homozygotes.

Submissions (4):

Fulgent Genetics
Classification: Likely pathogenic for Xeroderma pigmentosum, group C. Last evaluated: 2024-04-27. Review status: criteria provided, single submitter. Criteria: ACMG Guidelines, 2015. Collection method: clinical testing. Allele origin: germline.

Baylor Genetics
Classification: Likely pathogenic for Xeroderma pigmentosum, group C. Last evaluated: 2024-03-24. Review status: criteria provided, single submitter. Criteria: ACMG Guidelines, 2015. Collection method: clinical testing. Allele origin: unknown.

Labcorp Genetics (formerly Invitae), Labcorp
Classification: Pathogenic. Last evaluated: 2023-11-20. Review status: criteria provided, single submitter. Criteria: Invitae Variant Classification Sherloc (09022015). Collection method: clinical testing. Allele origin: germline.
Comment: This sequence change creates a premature translational stop signal (p.Gln19*) in the XPC gene. It is expected to result in an absent or disrupted protein product. Loss-of-function variants in XPC are known to be pathogenic (PMID: 23173980, 25256075). This variant is not present in population databases (gnomAD no frequency). This variant has not been reported in the literature in individuals affected with XPC-related conditions. ClinVar contains an entry for this variant (Variation ID: 551359). For these reasons, this variant has been classified as Pathogenic.

Counsyl
Classification: Likely pathogenic for Xeroderma pigmentosum, group C. Last evaluated: 2017-04-04. Review status: no assertion criteria provided. Collection method: clinical testing. Allele origin: unknown. Not counted in ClinVar's aggregate classification.

Literature cited by the submitters: PubMed 23173980 (cited by Labcorp Genetics (formerly Invitae), Labcorp); PubMed 25256075 (cited by Labcorp Genetics (formerly Invitae), Labcorp).